The following is an entry in ClinVar:

ClinVar aggregate classification (germline): Uncertain significance (1 of 4 stars; one submission).

Conditions:
Inborn genetic diseases. Identifiers: MedGen C0950123, MeSH D030342.

Submission:

Ambry Genetics
Classification: Uncertain significance for Inborn genetic diseases. Last evaluated: 2025-05-05. Review status: criteria provided, single submitter. Criteria: Ambry Variant Classification Scheme 2023. Collection method: clinical testing. Allele origin: germline.
Comment: The p.M404L variant (also known as c.1210A>T), located in coding exon 11 of the ANKRD26 gene, results from an A to T substitution at nucleotide position 1210. The methionine at codon 404 is replaced by leucine, an amino acid with highly similar properties. This amino acid position is conserved. In addition, this alteration is predicted to be tolerated by in silico analysis. Based on the available evidence, the clinical significance of this variant remains unclear.

NM_014915.3(ANKRD26):c.1210A>T (p.Met404Leu)

Gene: ANKRD26 (ankyrin repeat domain containing 26; minus strand). Cytogenetic location: 10p12.1.
Variant type: single nucleotide variant.
Coding change: c.1210A>T on transcript NM_014915.3 (MANE Select); coding-DNA position 1210, A replaced by T.
Protein change: p.Met404Leu; replaces methionine 404 with leucine.
Molecular consequence: missense variant.
Genome position (GRCh38, 1-based): chr10:27,066,546, T>A on the plus strand (A>T on the coding strand, the complement: ANKRD26 is on the minus strand). VCF-style: chr10-27066546-T-A. GRCh37 (hg19) VCF-style: chr10-27355475-T-A.
Other names: c.1210A>T, p.Met404Leu (NM_001256053.2); short protein forms M404L.
Identifiers: ClinVar variation 3914193 (VCV003914193.1).